The following is an entry in ClinVar:

NM_001374353.1(GLI2):c.4476G>T (p.Gln1492His)

Gene: GLI2 (GLI family zinc finger 2; plus strand). Cytogenetic location: 2q14.2.
Variant type: single nucleotide variant.
Coding change: c.4476G>T on transcript NM_001374353.1 (MANE Select); coding-DNA position 4476, G replaced by T.
Protein change: p.Gln1492His; replaces glutamine 1492 with histidine.
Molecular consequence: missense variant.
Genome position (GRCh38, 1-based): chr2:120,990,441, G>T. VCF-style: chr2-120990441-G-T. GRCh37 (hg19) VCF-style: chr2-121748017-G-T.
Other names: c.4527G>T, p.Gln1509His (NM_001371271.1, NM_005270.5); c.4101G>T, p.Gln1367His (NM_001374354.1); c.4527G>T (NM_005270.4); short protein forms Q1367H, Q1492H, Q1509H.
Identifiers: ClinVar variation 1955458 (VCV001955458.8), dbSNP rs758647029, ClinGen allele CA1852640.

ClinVar aggregate classification (germline): Uncertain significance. Review status: criteria provided, multiple submitters, no conflicts (2 of 4 stars). 2 submissions from 2 submitters: Uncertain significance (2). Last evaluated 2025-11-13.

Conditions:
Inborn genetic diseases. Identifiers: MedGen C0950123, MeSH D030342.
Holoprosencephaly 9 (HPE9). Also called: PITUITARY ANOMALIES WITH HOLOPROSENCEPHALY-LIKE FEATURES; HOLOPROSENCEPHALY WITH MICROPHTHALMIA AND FIRST BRANCHIAL ARCH ANOMALIES. Identifiers: Orphanet 2162, MedGen C1835819, MONDO:0012563, OMIM 610829.
Postaxial polydactyly-anterior pituitary anomalies-facial dysmorphism syndrome. Also called: Culler-Jones syndrome. Identifiers: Orphanet 420584, MedGen C4014479, MONDO:0014369, OMIM 615849.

Allele frequency attached by ClinVar (database versions not stated): TOPMed 0.00005; ExAC 0.00002; gnomAD exomes 0.00001; gnomAD 0.00003.
gnomAD v4.1: 16 of 1,613,936 alleles (0.00099%); highest among the groups gnomAD compares: Admixed American, 0.0017%; no homozygotes.

Submissions (2):

Ambry Genetics
Classification: Uncertain significance for Inborn genetic diseases. Last evaluated: 2025-11-13. Review status: criteria provided, single submitter. Criteria: Ambry Variant Classification Scheme 2023. Collection method: clinical testing. Allele origin: germline.

Labcorp Genetics (formerly Invitae), Labcorp
Classification: Uncertain significance for Postaxial polydactyly-anterior pituitary anomalies-facial dysmorphism syndrome; Holoprosencephaly 9. Last evaluated: 2025-07-15. Review status: criteria provided, single submitter. Criteria: Invitae Variant Classification Sherloc (09022015). Collection method: clinical testing. Allele origin: germline.
Comment: This sequence change replaces glutamine, which is neutral and polar, with histidine, which is basic and polar, at codon 1509 of the GLI2 protein (p.Gln1509His). This variant is present in population databases (rs758647029, gnomAD 0.004%). This variant has not been reported in the literature in individuals affected with GLI2-related conditions. ClinVar contains an entry for this variant (Variation ID: 1955458). Invitae Evidence Modeling of protein sequence and biophysical properties (such as structural, functional, and spatial information, amino acid conservation, physicochemical variation, residue mobility, and thermodynamic stability) has been performed for this missense variant. However, the output from this modeling did not meet the statistical confidence thresholds required to predict the impact of this variant on GLI2 protein function. In summary, the available evidence is currently insufficient to determine the role of this variant in disease. Therefore, it has been classified as a Variant of Uncertain Significance.